The following is an entry in ClinVar:

NM_004656.4(BAP1):c.170G>T (p.Arg57Leu)

Gene: BAP1 (BRCA1 associated deubiquitinase 1; minus strand). Cytogenetic location: 3p21.1.
Variant type: single nucleotide variant.
Coding change: c.170G>T on transcript NM_004656.4 (MANE Select); coding-DNA position 170, G replaced by T.
Protein change: p.Arg57Leu; replaces arginine 57 with leucine.
Molecular consequence: missense variant.
Genome position (GRCh38, 1-based): chr3:52,408,559, C>A on the plus strand (G>T on the coding strand, the complement: BAP1 is on the minus strand). VCF-style: chr3-52408559-C-A. GRCh37 (hg19) VCF-style: chr3-52442575-C-A.
Other names: short protein forms R57L.
Identifiers: ClinVar variation 1332152 (VCV001332152.3), dbSNP rs2153228324, ClinGen allele CA353113498.
Genomic context (GRCh38, chr3:52,408,559, plus strand): 5'-ACAATATCATCATCAATCACGGACGTATCATCCACCAAGGTAGAGACCTTTCGCCGGGAC[C>A]GGCGCTCTTCGATCCATTTGAACAGGAAGATAAATCCATATACAGGGCTGGGGGAAGTAA-3'
Protein context (NP_004647.1, residues 47-67): IFLFKWIEER[Arg57Leu]SRRKVSTLVD

ClinVar aggregate classification (germline): Uncertain significance (1 of 4 stars; one submission).

Conditions:
Hereditary cancer-predisposing syndrome. Also called: Tumor predisposition; Hereditary Cancer Syndrome; Neoplastic Syndromes, Hereditary; Hereditary neoplastic syndrome. Identifiers: Orphanet 140162, MedGen C0027672, MeSH D009386, MONDO:0015356.

Submission:

Color Diagnostics, LLC DBA Color Health
Classification: Uncertain significance for Hereditary cancer-predisposing syndrome. Last evaluated: 2024-03-07. Review status: criteria provided, single submitter. Criteria: ACMG Guidelines, 2015. Collection method: clinical testing. Allele origin: germline.
Comment: This missense variant replaces arginine with leucine at codon 57 of the BAP1 protein. Computational prediction is inconclusive regarding the impact of this variant on protein structure and function (internally defined REVEL score threshold 0.5 < inconclusive < 0.7, PMID: 27666373). To our knowledge, functional studies have not been reported for this variant. This variant has not been reported in individuals affected with hereditary cancer in the literature. This variant has not been identified in the general population by the Genome Aggregation Database (gnomAD). The available evidence is insufficient to determine the role of this variant in disease conclusively. Therefore, this variant is classified as a Variant of Uncertain Significance.